The following is an entry in ClinVar:

NM_000143.4(FH):c.1217A>G (p.Asn406Ser)

Gene: FH (fumarate hydratase; minus strand). Cytogenetic location: 1q43.
Variant type: single nucleotide variant.
Coding change: c.1217A>G on transcript NM_000143.4 (MANE Select); coding-DNA position 1217, A replaced by G.
Protein change: p.Asn406Ser; replaces asparagine 406 with serine.
Molecular consequence: missense variant.
Genome position (GRCh38, 1-based): chr1:241,502,462, T>C on the plus strand (A>G on the coding strand, the complement: FH is on the minus strand). VCF-style: chr1-241502462-T-C. GRCh37 (hg19) VCF-style: chr1-241665762-T-C.
Other names: short protein forms N406S.
Identifiers: ClinVar variation 2046472 (VCV002046472.4), dbSNP rs2527316530, ClinGen allele CA345437287.
Genomic context (GRCh38, chr1:241,502,462, plus strand): 5'-CCTTTGGTCAAAAAACATTAAAAATCAGATTTAAAGCTTACCATCATTGGCTTGAAAACA[T>C]TCAACTCAAAATGTCCATTGCTGCCTCCGACAGTGACAGCAACATGGTTCCCCATGACTT-3'
Protein context (NP_000134.2, residues 396-416): VGGSNGHFEL[Asn406Ser]VFKPMMIKNV

ClinVar aggregate classification (germline): Uncertain significance. Review status: criteria provided, multiple submitters, no conflicts (2 of 4 stars). 2 submissions from 2 submitters: Uncertain significance (2). Last evaluated 2024-10-22.

Conditions:
Hereditary cancer-predisposing syndrome. Also called: Neoplastic Syndromes, Hereditary; Hereditary Cancer Syndrome; Hereditary neoplastic syndrome; Tumor predisposition. Identifiers: Orphanet 140162, MedGen C0027672, MeSH D009386, MONDO:0015356.

Allele frequency attached by ClinVar (database versions not stated): gnomAD exomes below 0.00001.
gnomAD v4.1: 1 of 1,614,088 alleles (0.000062%); highest among the groups gnomAD compares: African/African-American, 0.0013%; no homozygotes.

Submissions (2):

Labcorp Genetics (formerly Invitae), Labcorp
Classification: Uncertain significance. Last evaluated: 2024-10-22. Review status: criteria provided, single submitter. Criteria: Invitae Variant Classification Sherloc (09022015). Collection method: clinical testing. Allele origin: germline.
Comment: This sequence change replaces asparagine, which is neutral and polar, with serine, which is neutral and polar, at codon 406 of the FH protein (p.Asn406Ser). This variant is not present in population databases (gnomAD no frequency). This variant has not been reported in the literature in individuals affected with FH-related conditions. ClinVar contains an entry for this variant (Variation ID: 2046472). Invitae Evidence Modeling of protein sequence and biophysical properties (such as structural, functional, and spatial information, amino acid conservation, physicochemical variation, residue mobility, and thermodynamic stability) indicates that this missense variant is expected to disrupt FH protein function with a positive predictive value of 95%. In summary, the available evidence is currently insufficient to determine the role of this variant in disease. Therefore, it has been classified as a Variant of Uncertain Significance.

Ambry Genetics
Classification: Uncertain significance for Hereditary cancer-predisposing syndrome. Last evaluated: 2023-09-20. Review status: criteria provided, single submitter. Criteria: Ambry Variant Classification Scheme 2023. Collection method: clinical testing. Allele origin: germline.
Comment: The p.N406S variant (also known as c.1217A>G), located in coding exon 8 of the FH gene, results from an A to G substitution at nucleotide position 1217. The asparagine at codon 406 is replaced by serine, an amino acid with highly similar properties. This amino acid position is conserved. In addition, this alteration is predicted to be deleterious by in silico analysis. Since supporting evidence is limited at this time, the clinical significance of this alteration remains unclear.